The following is an entry in ClinVar:

NM_000508.5(FGA):c.1906dup (p.Leu636fs)

Gene: FGA (fibrinogen alpha chain; minus strand). Cytogenetic location: 4q31.3.
Variant type: Duplication.
Coding change: c.1906dup on transcript NM_000508.5; coding-DNA position 1906, one base duplicated (C; older notation c.1906dupC).
Protein change: p.Leu636fs; shifts the reading frame from leucine 636.
Molecular consequence: frameshift variant.
Genome position (GRCh38, 1-based): chr4:154,584,819, G duplicated on the plus strand (C on the coding strand, the reverse complement: FGA is on the minus strand); the first of 2 consecutive G bases (chr4:154,584,819-154,584,820); duplicating either gives the same sequence. VCF-style (leftmost placement, unchanged base first): chr4-154584818-A-AG. GRCh37 (hg19) VCF-style: chr4-155505970-A-AG.
Other names: short protein forms L636fs.
Identifiers: ClinVar variation 1708440 (VCV001708440.4), dbSNP rs778571941, ClinGen allele CA3114979.

ClinVar aggregate classification (germline): Conflicting classifications of pathogenicity. Review status: criteria provided, conflicting classifications (1 of 4 stars). 2 submissions from 2 submitters: Likely pathogenic (1); Uncertain significance (1). Last evaluated 2025-12-17.

Submissions (2):

Dasa
Classification: Uncertain significance. Last evaluated: 2025-12-17. Review status: criteria provided, single submitter. Criteria: DASA Assertion Criteria. Collection method: clinical testing. Allele origin: germline.
Comment: NM_000508.5(FGA):c.1906dup (p.Leu636Profs*22) is a frameshift variant in FGA predicted to alter the reading frame and introduce a premature termination codon and is predicted to result in an absent or altered protein product. This variant is rare in population databases. The currently available literature and clinical evidence are not sufficient to establish a definitive association between this variant and the reported condition. Therefore, this variant is classified as a variant of uncertain significance.

Centre of Medical Genetics, University Hospital Muenster
Classification: Likely pathogenic. Last evaluated: 2021-12-15. Review status: criteria provided, single submitter. Criteria: ACMG Guidelines, 2015. Collection method: clinical testing. Allele origin: unknown. Affected: yes. Observed: 1 variant allele, 1 heterozygote.
Comment: ACMG categories: PVS1,PM2